The following is an entry in ClinVar:

NM_183050.4(BCKDHB):c.51A>G (p.Ala17=)

Gene: BCKDHB (branched chain keto acid dehydrogenase E1 subunit beta; plus strand). Cytogenetic location: 6q14.1.
Variant type: single nucleotide variant.
Coding change: c.51A>G on transcript NM_183050.4 (MANE Select); coding-DNA position 51, A replaced by G.
Protein change: p.Ala17=; no amino-acid change (alanine 17 retained).
Molecular consequence: synonymous variant. On other transcripts: non-coding transcript variant (1), intron variant (1).
Genome position (GRCh38, 1-based): chr6:80,106,744, A>G. VCF-style: chr6-80106744-A-G. GRCh37 (hg19) VCF-style: chr6-80816461-A-G.
Other names: c.51A>G, p.Ala17= (NM_000056.5); c.-15+61A>G (NM_001318975.1).
Identifiers: ClinVar variation 358168 (VCV000358168.41), dbSNP rs376293687, ClinGen allele CA3902484.
Genomic context (GRCh38, chr6:80,106,744, plus strand): 5'-GTGAGCGGGGATGGCGGTTGTAGCGGCGGCTGCCGGCTGGCTACTCAGGCTCAGGGCGGC[A>G]GGGGCTGAGGGGCACTGGCGTCGGCTTCCTGGCGCGGGGCTGGCGCGGGGCTTTTTGCAC-3'
Protein context (NP_898871.1, residues 7-27): AAGWLLRLRA[Ala17=]GAEGHWRRLP

ClinVar aggregate classification (germline): Conflicting classifications of pathogenicity. Review status: criteria provided, conflicting classifications (1 of 4 stars). 9 submissions from 9 submitters: Uncertain significance (1); Benign (1); Likely benign (4). 3 of the submissions do not count toward it. Last evaluated 2026-01-27.

Conditions:
Maple syrup urine disease (MSUD). Identifiers: Orphanet 511, MedGen C0024776, MeSH D008375, MONDO:0009563. Disease mechanism: loss of function.
Maple syrup urine disease type 1B (MSUD1B). Also called: MSUD type IB; MSUD type 3 (formerly); MSUD due to deficiency of e1-beta subunit of branched-chain alpha-keto acid dehydrogenase complex. Identifiers: MedGen C2930990, MONDO:0023692, OMIM 620698.

Allele frequency attached by ClinVar (database versions not stated): 1000 Genomes Project 30x 0.00047; TOPMed 0.00105.
gnomAD v4.1: 2,370 of 1,567,308 alleles (0.15%); highest among the groups gnomAD compares: Non-Finnish European, 0.19%; 2 homozygotes.

Submissions (9):

Labcorp Genetics (formerly Invitae), Labcorp
Classification: Benign for Maple syrup urine disease. Last evaluated: 2026-01-27. Review status: criteria provided, single submitter. Criteria: Invitae Variant Classification Sherloc (09022015). Collection method: clinical testing. Allele origin: germline.

CeGaT Center for Human Genetics Tuebingen
Classification: Likely benign. Last evaluated: 2025-07-01. Review status: criteria provided, single submitter. Criteria: CeGaT Center For Human Genetics Tuebingen Variant Classification Criteria Version 2. Collection method: clinical testing. Allele origin: germline. Affected: yes. Observed: 2 variant alleles.
Comment: BCKDHB: BP4, BP7

Blueprint Genetics
Classification: Likely benign. Last evaluated: 2024-11-14. Review status: criteria provided, single submitter. Criteria: ACMG Guidelines, 2015. Collection method: clinical testing. Allele origin: germline.

Genome-Nilou Lab
Classification: Likely benign for Maple syrup urine disease type 1A. Last evaluated: 2021-11-07. Review status: criteria provided, single submitter. Criteria: ACMG Guidelines, 2015. Collection method: clinical testing. Allele origin: germline. Affected: no.

GeneDx
Classification: Likely benign. Last evaluated: 2018-03-14. Review status: criteria provided, single submitter. Criteria: GeneDx Variant Classification (06012015). Collection method: clinical testing. Allele origin: germline. Affected: yes.
Comment: This variant is considered likely benign or benign based on one or more of the following criteria: it is a conservative change, it occurs at a poorly conserved position in the protein, it is predicted to be benign by multiple in silico algorithms, and/or has population frequency not consistent with disease.

Illumina Laboratory Services, Illumina
Classification: Uncertain significance for Maple syrup urine disease type 1A. Last evaluated: 2018-01-13. Review status: criteria provided, single submitter. Criteria: ICSL Variant Classification Criteria 13 December 2019. Collection method: clinical testing. Allele origin: germline.

Natera, Inc.
Classification: Likely benign for Maple syrup urine disease type 1B. Last evaluated: 2019-10-24. Review status: no assertion criteria provided. Collection method: clinical testing. Allele origin: germline. Not counted in ClinVar's aggregate classification.

Clinical Genetics DNA and cytogenetics Diagnostics Lab, Erasmus MC, Erasmus Medical Center
Classification: Likely benign. Review status: no assertion criteria provided. Collection method: clinical testing. Allele origin: germline. Affected: yes. Study: VKGL Data-share Consensus. Not counted in ClinVar's aggregate classification.

Clinical Genetics, Academic Medical Center
Classification: Benign. Review status: no assertion criteria provided. Collection method: clinical testing. Allele origin: germline. Affected: yes. Study: VKGL Data-share Consensus. Not counted in ClinVar's aggregate classification.